The following is an entry in ClinVar:

NM_001999.4(FBN2):c.8274C>T (p.Ser2758=)

Gene: FBN2 (fibrillin 2; minus strand). Cytogenetic location: 5q23.3.
Variant type: single nucleotide variant.
Coding change: c.8274C>T on transcript NM_001999.4 (MANE Select); coding-DNA position 8274, C replaced by T.
Protein change: p.Ser2758=; no amino-acid change (serine 2758 retained).
Molecular consequence: synonymous variant.
Genome position (GRCh38, 1-based): chr5:128,261,826, G>A on the plus strand (C>T on the coding strand, the complement: FBN2 is on the minus strand). VCF-style: chr5-128261826-G-A. GRCh37 (hg19) VCF-style: chr5-127597518-G-A.
Other names: p.S2758S:TCC>TCT; p.Ser2758=.
Identifiers: ClinVar variation 129053 (VCV000129053.42), dbSNP rs10070365, ClinGen allele CA288843.

ClinVar aggregate classification (germline): Benign. Review status: criteria provided, multiple submitters, no conflicts (2 of 4 stars). 13 submissions from 13 submitters: Benign (12). 1 of the submissions does not count toward it. Last evaluated 2026-02-04.

Conditions:
Familial thoracic aortic aneurysm and aortic dissection (TAAD). Also called: Thoracic aortic aneurysms and dissections. Identifiers: Orphanet 91387, MedGen C4707243, MONDO:0019625.
Congenital contractural arachnodactyly (CCA). Also called: Arthrogryposis, distal, type 9; Beals-Hecht syndrome; BEALS SYNDROME. Identifiers: Orphanet 115, MedGen C0220668, MONDO:0007363, OMIM 121050.

Allele frequency attached by ClinVar (database versions not stated): gnomAD exomes 0.10206 and 0.11255; ExAC 0.10425; 1000 Genomes Project 30x 0.11274; 1000 Genomes Project 0.11282; TOPMed 0.12527; gnomAD 0.12907 and 0.13267; ESP Exome Variant Server 0.13855.
gnomAD v4.1: 183,575 of 1,613,570 alleles (11%); highest among the groups gnomAD compares: African/African-American, 17%; 11,242 homozygotes.

Submissions (13):

Labcorp Genetics (formerly Invitae), Labcorp
Classification: Benign for Congenital contractural arachnodactyly. Last evaluated: 2026-02-04. Review status: criteria provided, single submitter. Criteria: Invitae Variant Classification Sherloc (09022015). Collection method: clinical testing. Allele origin: germline.

ARUP Laboratories, Molecular Genetics and Genomics, ARUP Laboratories
Classification: Benign. Last evaluated: 2025-07-29. Review status: criteria provided, single submitter. Criteria: ARUP Molecular Germline Variant Investigation Process 2024. Collection method: clinical testing. Allele origin: germline.

Blueprint Genetics
Classification: Benign. Last evaluated: 2024-11-26. Review status: criteria provided, single submitter. Criteria: ACMG Guidelines, 2015. Collection method: clinical testing. Allele origin: germline.

Illumina Laboratory Services, Illumina
Classification: Benign for Congenital contractural arachnodactyly. Last evaluated: 2018-01-13. Review status: criteria provided, single submitter. Criteria: ICSL Variant Classification Criteria 13 December 2019. Collection method: clinical testing. Allele origin: germline.
Comment: This variant was observed in the ICSL laboratory as part of a predisposition screen in an ostensibly healthy population. It had not been previously curated by ICSL or reported in the Human Gene Mutation Database (HGMD: prior to June 1st, 2018), and was therefore a candidate for classification through an automated scoring system. Utilizing variant allele frequency, disease prevalence and penetrance estimates, and inheritance mode, an automated score was calculated to assess if this variant is too frequent to cause the disease. Based on the score and internal cut-off values, a variant classified as benign is not then subjected to further curation. The score for this variant resulted in a classification of benign for this disease.

Clinical Genetics DNA and cytogenetics Diagnostics Lab, Erasmus MC, Erasmus Medical Center
Classification: Benign for Congenital contractural arachnodactyly. Last evaluated: 2017-06-28. Review status: criteria provided, single submitter. Criteria: ACGS Guidelines, 2013. Collection method: clinical testing. Allele origin: germline. Affected: yes. Study: VKGL Data-share Consensus.

Women's Health and Genetics/Laboratory Corporation of America, LabCorp
Classification: Benign. Last evaluated: 2017-03-22. Review status: criteria provided, single submitter. Criteria: LabCorp Variant Classification Summary - May 2015. Collection method: clinical testing. Allele origin: germline.
Comment: Variant summary: The FBN2 c.8274C>T (p.Ser2758Ser) variant involves the alteration of a non-conserved nucleotide causing a synonymous change that 5/5 splice prediction tools predict no significant impact on normal splicing and ESE finder predicts no significant effect on ESE sites caused by the variant. However, these predictions have yet to be confirmed by functional studies. This variant was found in the large control database ExAC at a frequency of 0.1042542 (12655/121386 control chromosomes [778 homozygotes]), which is approximately 83403 times the estimated maximal expected allele frequency of a pathogenic FBN2 variant (0.0000013), suggesting this variant is likely a benign polymorphism. In addition, multiple clinical diagnostic laboratories/reputable databases classified this variant as benign. To our knowledge, the variant of interest has not been reported in affected individuals via publications, nor has it been evaluated for functional impact by in vivo/vitro studies. Taken together, this variant is classified as benign.

Ambry Genetics
Classification: Benign for Familial thoracic aortic aneurysm and aortic dissection. Last evaluated: 2014-11-25. Review status: criteria provided, single submitter. Criteria: Ambry Variant Classification Scheme 2023. Collection method: clinical testing. Allele origin: germline.

Mayo Clinic Laboratories, Mayo Clinic
Classification: Benign. Last evaluated: 2014-01-31. Review status: criteria provided, single submitter. Criteria: ACMG Guidelines, 2015. Collection method: clinical testing. Allele origin: germline. Observed: 341 variant alleles.

Genetic Services Laboratory, University of Chicago
Classification: Benign for AllHighlyPenetrant. Last evaluated: 2013-08-15. Review status: criteria provided, single submitter. Criteria: ACMG Guidelines, 2007. Collection method: clinical testing. Allele origin: germline. Inheritance: Autosomal dominant inheritance.

Laboratory for Molecular Medicine, Mass General Brigham Personalized Medicine
Classification: Benign. Last evaluated: 2013-04-04. Review status: criteria provided, single submitter. Criteria: LMM Criteria. Collection method: clinical testing. Allele origin: germline. Observed: 3 variant alleles.
Comment: Ser2758Ser in exon 64 of FBN2: This variant is not expected to have clinical sig nificance because it does not alter an amino acid residue and is not located wit hin the splice consensus sequence. It has been identified in 17.3% (764/4406) of African American chromosomes from a broad population by the NHLBI Exome Sequenc ing Project (dbSNP rs10070365).

GeneDx
Classification: Benign. Last evaluated: 2012-11-13. Review status: criteria provided, single submitter. Criteria: GeneDx Variant Classification (06012015). Collection method: clinical testing. Allele origin: germline. Affected: yes.
Comment: This variant is considered likely benign or benign based on one or more of the following criteria: it is a conservative change, it occurs at a poorly conserved position in the protein, it is predicted to be benign by multiple in silico algorithms, and/or has population frequency not consistent with disease.

PreventionGenetics, part of Exact Sciences
Classification: Benign. Review status: criteria provided, single submitter. Criteria: ACMG Guidelines, 2015. Collection method: clinical testing. Allele origin: germline.

Genome Diagnostics Laboratory, Amsterdam University Medical Center
Classification: Benign for Congenital contractural arachnodactyly. Last evaluated: 2014-11-19. Review status: no assertion criteria provided. Criteria: ACGS Guidelines, 2013. Collection method: clinical testing. Allele origin: germline. Affected: yes. Study: VKGL Data-share Consensus. Not counted in ClinVar's aggregate classification.